The following is an entry in ClinVar:

ClinVar aggregate classification (germline): Uncertain significance (1 of 4 stars; one submission).

Conditions:
Charcot-Marie-Tooth disease type 2R. Also called: CHARCOT-MARIE-TOOTH NEUROPATHY, TYPE 2R; CHARCOT-MARIE-TOOTH DISEASE, AXONAL, AUTOSOMAL RECESSIVE, TYPE 2R; Charcot-Marie-Tooth disease, axonal, type 2R. Identifiers: Orphanet 397968, MedGen C3809655, MONDO:0014208, OMIM 615490.

Allele frequency attached by ClinVar (database versions not stated): gnomAD exomes below 0.00001.
gnomAD v4.1: 1 of 1,614,086 alleles (0.000062%); highest among the groups gnomAD compares: Non-Finnish European, 0.000085%; no homozygotes.

Submission:

Labcorp Genetics (formerly Invitae), Labcorp
Classification: Uncertain significance for Charcot-Marie-Tooth disease type 2R. Last evaluated: 2024-01-24. Review status: criteria provided, single submitter. Criteria: Invitae Variant Classification Sherloc (09022015). Collection method: clinical testing. Allele origin: germline.
Comment: This sequence change replaces proline, which is neutral and non-polar, with leucine, which is neutral and non-polar, at codon 115 of the TRIM2 protein (p.Pro115Leu). This variant is not present in population databases (gnomAD no frequency). This variant has not been reported in the literature in individuals affected with TRIM2-related conditions. An algorithm developed to predict the effect of missense changes on protein structure and function (PolyPhen-2) suggests that this variant is likely to be tolerated. In summary, the available evidence is currently insufficient to determine the role of this variant in disease. Therefore, it has been classified as a Variant of Uncertain Significance.

NM_015271.5(TRIM2):c.425C>T (p.Pro142Leu)

Gene: TRIM2 (tripartite motif containing 2; plus strand). Cytogenetic location: 4q31.3.
Variant type: single nucleotide variant.
Coding change: c.425C>T on transcript NM_015271.5 (MANE Select); coding-DNA position 425, C replaced by T.
Protein change: p.Pro142Leu; replaces proline 142 with leucine.
Molecular consequence: missense variant. On other transcripts: 5 prime UTR variant (1).
Genome position (GRCh38, 1-based): chr4:153,276,102, C>T. VCF-style: chr4-153276102-C-T. GRCh37 (hg19) VCF-style: chr4-154197254-C-T.
Other names: c.344C>T, p.Pro115Leu (NM_001130067.2, NM_001375516.1, NM_001375517.1 and 5 more transcripts); c.425C>T, p.Pro142Leu (NM_001302692.2, NM_001375519.1, NM_001375488.1 and 1 more transcripts); c.422C>T, p.Pro141Leu (NM_001302693.2, NM_001375520.1, NM_001375489.1 and 1 more transcripts); c.398C>T, p.Pro133Leu (NM_001302694.2, NM_001351054.2); c.395C>T, p.Pro132Leu (NM_001351055.2); c.86C>T, p.Pro29Leu (NM_001375522.1, NM_001375523.1, NM_001375525.1); c.-133C>T (NM_001351057.2); short protein forms P115L, P132L, P142L, P29L, P133L, P141L.
Identifiers: ClinVar variation 2917397 (VCV002917397.3), dbSNP rs2546414965, ClinGen allele CA358470345.